The following is an entry in ClinVar:

NM_015335.5(MED13L):c.1271C>T (p.Ser424Phe)

Gene: MED13L (mediator complex subunit 13L; minus strand). Cytogenetic location: 12q24.21.
Variant type: single nucleotide variant.
Coding change: c.1271C>T on transcript NM_015335.5 (MANE Select); coding-DNA position 1271, C replaced by T.
Protein change: p.Ser424Phe; replaces serine 424 with phenylalanine.
Molecular consequence: missense variant.
Genome position (GRCh38, 1-based): chr12:116,012,806, G>A on the plus strand (C>T on the coding strand, the complement: MED13L is on the minus strand). VCF-style: chr12-116012806-G-A. GRCh37 (hg19) VCF-style: chr12-116450611-G-A.
Other names: c.1271C>T (NM_015335.4); short protein forms S424F.
Identifiers: ClinVar variation 3339639 (VCV003339639.2).
Genomic context (GRCh38, chr12:116,012,806, plus strand): 5'-AAGATGCGCCATCATTCGATCCATTACTATTTTGCCTTTTTTATTACCTACCTGGAACAA[G>A]AACAGCTGACTCTTTGGGTTGGATCCACAAAATCCCAAGTAGCAGGATTGCTAGCAGGCT-3'
Protein context (NP_056150.1, residues 414-434): FVDPTQRVSC[Ser424Phe]CSRHKLLKRC

ClinVar aggregate classification (germline): Conflicting classifications of pathogenicity. Review status: criteria provided, conflicting classifications (1 of 4 stars). 2 submissions from 2 submitters: Uncertain significance (1); Likely benign (1). Last evaluated 2024-08-20.

Conditions:
Inborn genetic diseases. Identifiers: MedGen C0950123, MeSH D030342.

gnomAD v4.1: 10 of 1,611,766 alleles (0.00062%); highest among the groups gnomAD compares: African/African-American, 0.0013%; no homozygotes.

Submissions (2):

Ambry Genetics
Classification: Likely benign for Inborn genetic diseases. Last evaluated: 2024-08-20. Review status: criteria provided, single submitter. Criteria: Ambry Variant Classification Scheme 2023. Collection method: clinical testing. Allele origin: germline.

Women's Health and Genetics/Laboratory Corporation of America, LabCorp
Classification: Uncertain significance. Last evaluated: 2024-06-10. Review status: criteria provided, single submitter. Criteria: LabCorp Variant Classification Summary - May 2015. Collection method: clinical testing. Allele origin: germline.
Comment: Variant summary: MED13L c.1271C>T (p.Ser424Phe) results in a non-conservative amino acid change in the encoded protein sequence. Three of five in-silico tools predict a damaging effect of the variant on protein function. The variant allele was found at a frequency of 8e-06 in 251038 control chromosomes. The available data on variant occurrences in the general population are insufficient to allow any conclusion about variant significance. To our knowledge, no occurrence of c.1271C>T in individuals affected with MED13L-related conditions and no experimental evidence demonstrating its impact on protein function have been reported. No submitters have cited clinical-significance assessments for this variant to ClinVar. Based on the evidence outlined above, the variant was classified as uncertain significance.